The following is an entry in ClinVar:

NM_004385.5(VCAN):c.4651A>T (p.Ile1551Phe)

Genes: VCAN (versican; plus strand), VCAN-AS1 (VCAN antisense RNA 1; minus strand). Cytogenetic location: 5q14.3.
Variant type: single nucleotide variant.
Coding change: c.4651A>T on transcript NM_004385.5 (MANE Select); coding-DNA position 4651, A replaced by T.
Protein change: p.Ile1551Phe; replaces isoleucine 1551 with phenylalanine.
Molecular consequence: missense variant. On other transcripts: intron variant (2).
Genome position (GRCh38, 1-based): chr5:83,537,654, A>T. VCF-style: chr5-83537654-A-T. GRCh37 (hg19) VCF-style: chr5-82833473-A-T.
Other names: c.1690A>T, p.Ile564Phe (NM_001164097.2); c.4004-7883A>T (NM_001164098.2); c.1043-7883A>T (NM_001126336.3); short protein forms I1551F, I564F.
Identifiers: ClinVar variation 1057447 (VCV001057447.10), dbSNP rs1341052302, ClinGen allele CA360308711.

ClinVar aggregate classification (germline): Uncertain significance (1 of 4 stars; one submission).

Allele frequency attached by ClinVar (database versions not stated): gnomAD exomes below 0.00001; TOPMed 0.00002.
gnomAD v4.1: 3 of 1,613,866 alleles (0.00019%); highest among the groups gnomAD compares: African/African-American, 0.0013%; no homozygotes.

Submission:

Labcorp Genetics (formerly Invitae), Labcorp
Classification: Uncertain significance. Last evaluated: 2025-04-11. Review status: criteria provided, single submitter. Criteria: Invitae Variant Classification Sherloc (09022015). Collection method: clinical testing. Allele origin: germline.
Comment: This sequence change replaces isoleucine, which is neutral and non-polar, with phenylalanine, which is neutral and non-polar, at codon 1551 of the VCAN protein (p.Ile1551Phe). This variant is present in population databases (no rsID available, gnomAD 0.01%). This variant has not been reported in the literature in individuals affected with VCAN-related conditions. ClinVar contains an entry for this variant (Variation ID: 1057447). An algorithm developed to predict the effect of missense changes on protein structure and function (PolyPhen-2) suggests that this variant is likely to be tolerated. In summary, the available evidence is currently insufficient to determine the role of this variant in disease. Therefore, it has been classified as a Variant of Uncertain Significance.